The following is an entry in ClinVar:

ClinVar aggregate classification (germline): Uncertain significance (1 of 4 stars; one submission).

Conditions:
Neurofibromatosis, type 1 (NF1). Also called: NEUROFIBROMATOSIS, TYPE I, SOMATIC; Peripheral type neurofibromatosis; VON RECKLINGHAUSEN DISEASE; Neurofibromatosis, type I. Identifiers: Orphanet 636, MedGen C0027831, MONDO:0018975, OMIM 162200. Disease mechanism: loss of function.

Submission:

Labcorp Genetics (formerly Invitae), Labcorp
Classification: Uncertain significance for Neurofibromatosis, type 1. Last evaluated: 2020-07-07. Review status: criteria provided, single submitter. Criteria: Invitae Variant Classification Sherloc (09022015). Collection method: clinical testing. Allele origin: germline.
Comment: This sequence change replaces alanine with proline at codon 257 of the NF1 protein (p.Ala257Pro). The alanine residue is moderately conserved and there is a small physicochemical difference between alanine and proline. This variant is not present in population databases (ExAC no frequency). This variant has not been reported in the literature in individuals with NF1-related conditions. Algorithms developed to predict the effect of missense changes on protein structure and function are either unavailable or do not agree on the potential impact of this missense change (SIFT: "Tolerated"; PolyPhen-2: "Possibly Damaging"; Align-GVGD: "Class C0"). In summary, the available evidence is currently insufficient to determine the role of this variant in disease. Therefore, it has been classified as a Variant of Uncertain Significance.

NM_001042492.3(NF1):c.769G>C (p.Ala257Pro)

Gene: NF1 (neurofibromin 1; plus strand). Cytogenetic location: 17q11.2.
Variant type: single nucleotide variant.
Coding change: c.769G>C on transcript NM_001042492.3 (MANE Select); coding-DNA position 769, G replaced by C.
Protein change: p.Ala257Pro; replaces alanine 257 with proline.
Molecular consequence: missense variant.
Genome position (GRCh38, 1-based): chr17:31,182,546, G>C. VCF-style: chr17-31182546-G-C. GRCh37 (hg19) VCF-style: chr17-29509564-G-C.
Other names: c.769G>C, p.Ala257Pro (NM_000267.4, NM_001128147.3); short protein forms A257P.
Identifiers: ClinVar variation 1006219 (VCV001006219.5), dbSNP rs2066156448, ClinGen allele CA398990729.